The following is an entry in ClinVar:

ClinVar aggregate classification (germline): Likely benign. Review status: criteria provided, single submitter (1 of 4 stars). 2 submissions from 2 submitters: Likely benign (1). 1 of the submissions does not count toward it. Last evaluated 2025-04-11.

Conditions:
MOCS2-related disorder. Also called: MOCS2-related condition.

Allele frequency attached by ClinVar (database versions not stated): gnomAD exomes 0.00001 and 0.00003; ExAC 0.00003; gnomAD 0.00006 and 0.00007; TOPMed 0.00006; ESP Exome Variant Server 0.00015; 1000 Genomes Project 30x 0.00016; 1000 Genomes Project 0.00020.
gnomAD v4.1: 24 of 1,611,820 alleles (0.0015%); highest among the groups gnomAD compares: African/African-American, 0.027%; no homozygotes.

Submissions (3):

Labcorp Genetics (formerly Invitae), Labcorp
Classification: Likely benign. Last evaluated: 2025-04-11. Review status: criteria provided, single submitter. Criteria: Invitae Variant Classification Sherloc (09022015). Collection method: clinical testing. Allele origin: germline.

PreventionGenetics, part of Exact Sciences
Classification: Likely benign for MOCS2-related condition. Last evaluated: 2019-07-16. Review status: no assertion criteria provided. Collection method: clinical testing. Allele origin: germline. Not counted in ClinVar's aggregate classification.
Comment: This variant is classified as likely benign based on ACMG/AMP sequence variant interpretation guidelines (Richards et al. 2015 PMID: 25741868, with internal and published modifications).

Dr. Peter K. Rogan Lab, Western University
No classification provided (evidence only). Condition: Clear cell carcinoma of kidney. Review status: no classification provided. Collection method: in vitro. Allele origin: not applicable. Functional consequence: retained intron. Not counted in ClinVar's aggregate classification.

NM_004531.5(MOCS2):c.102A>G (p.Lys34=)

Gene: MOCS2 (molybdenum cofactor synthesis 2; minus strand). Cytogenetic location: 5q11.2.
Variant type: single nucleotide variant.
Coding change: c.102A>G on transcript NM_004531.5 (MANE Select); coding-DNA position 102, A replaced by G.
Protein change: p.Lys34=; no amino-acid change (lysine 34 retained).
Molecular consequence: synonymous variant. On other transcripts: 3 prime UTR variant (1).
Genome position (GRCh38, 1-based): chr5:53,102,221, T>C on the plus strand (A>G on the coding strand, the complement: MOCS2 is on the minus strand). VCF-style: chr5-53102221-T-C. GRCh37 (hg19) VCF-style: chr5-52398051-T-C.
Other names: c.102A>G (NM_004531.4); c.*22A>G (NM_176806.4).
Identifiers: ClinVar variation 1101699 (VCV001101699.12), dbSNP rs146565392, ClinGen allele CA3263718.